The following is an entry in ClinVar:

ClinVar aggregate classification (germline): Uncertain significance (1 of 4 stars; one submission).

Conditions:
Inborn genetic diseases. Identifiers: MedGen C0950123, MeSH D030342.

Submission:

Ambry Genetics
Classification: Uncertain significance for Inborn genetic diseases. Last evaluated: 2022-09-01. Review status: criteria provided, single submitter. Criteria: Ambry Variant Classification Scheme 2023. Collection method: clinical testing. Allele origin: germline.
Comment: The p.K386R variant (also known as c.1157A>G), located in coding exon 10 of the AKT1 gene, results from an A to G substitution at nucleotide position 1157. The lysine at codon 386 is replaced by arginine, an amino acid with highly similar properties. This amino acid position is conserved. In addition, this alteration is predicted to be tolerated by in silico analysis. Since supporting evidence is limited at this time, the clinical significance of this alteration remains unclear.

NM_001382430.1(AKT1):c.1157A>G (p.Lys386Arg)

Gene: AKT1 (AKT serine/threonine kinase 1; minus strand). Cytogenetic location: 14q32.33.
Variant type: single nucleotide variant.
Coding change: c.1157A>G on transcript NM_001382430.1 (MANE Select); coding-DNA position 1157, A replaced by G.
Protein change: p.Lys386Arg; replaces lysine 386 with arginine.
Molecular consequence: missense variant.
Genome position (GRCh38, 1-based): chr14:104,772,893, T>C on the plus strand (A>G on the coding strand, the complement: AKT1 is on the minus strand). VCF-style: chr14-104772893-T-C. GRCh37 (hg19) VCF-style: chr14-105239230-T-C.
Other names: c.1157A>G, p.Lys386Arg (NM_001014431.2, NM_001014432.2, NM_001382431.1 and 3 more transcripts); short protein forms K386R.
Identifiers: ClinVar variation 1735579 (VCV001735579.2), dbSNP rs2542120060, ClinGen allele CA391216563.